The following is an entry in ClinVar:

NM_001290043.2(TAP2):c.1342G>A (p.Asp448Asn)

Gene: TAP2 (transporter 2, ATP binding cassette subfamily B member; minus strand). Cytogenetic location: 6p21.32.
Variant type: single nucleotide variant.
Coding change: c.1342G>A on transcript NM_001290043.2 (MANE Select); coding-DNA position 1342, G replaced by A.
Protein change: p.Asp448Asn; replaces aspartic acid 448 with asparagine.
Molecular consequence: missense variant.
Genome position (GRCh38, 1-based): chr6:32,830,737, C>T on the plus strand (G>A on the coding strand, the complement: TAP2 is on the minus strand). VCF-style: chr6-32830737-C-T. GRCh37 (hg19) VCF-style: chr6-32798514-C-T.
Other names: c.1342G>A, p.Asp448Asn (NM_000544.3, NM_018833.3); short protein forms D448N.
Identifiers: ClinVar variation 1006997 (VCV001006997.8), dbSNP rs745691531, ClinGen allele CA363581155.

ClinVar aggregate classification (germline): Uncertain significance (1 of 4 stars; one submission).

Conditions:
MHC class I deficiency. Identifiers: Orphanet 34592, MedGen C6024714, MONDO:0011476.

gnomAD v4.1: 1 of 1,612,986 alleles (0.000062%); highest among the groups gnomAD compares: Non-Finnish European, 0.000085%; no homozygotes.

Submission:

Labcorp Genetics (formerly Invitae), Labcorp
Classification: Uncertain significance for MHC class I deficiency 1. Last evaluated: 2023-08-04. Review status: criteria provided, single submitter. Criteria: Invitae Variant Classification Sherloc (09022015). Collection method: clinical testing. Allele origin: germline.
Comment: This sequence change replaces aspartic acid, which is acidic and polar, with asparagine, which is neutral and polar, at codon 448 of the TAP2 protein (p.Asp448Asn). This variant is not present in population databases (gnomAD no frequency). This variant has not been reported in the literature in individuals affected with TAP2-related conditions. ClinVar contains an entry for this variant (Variation ID: 1006997). Experimental studies and prediction algorithms are not available or were not evaluated, and the functional significance of this variant is currently unknown. In summary, the available evidence is currently insufficient to determine the role of this variant in disease. Therefore, it has been classified as a Variant of Uncertain Significance.